The following is an entry in ClinVar:

NM_183357.3(ADCY5):c.1313G>A (p.Arg438His)

Gene: ADCY5 (adenylate cyclase 5; minus strand). Cytogenetic location: 3q21.1.
Variant type: single nucleotide variant.
Coding change: c.1313G>A on transcript NM_183357.3 (MANE Select); coding-DNA position 1313, G replaced by A.
Protein change: p.Arg438His; replaces arginine 438 with histidine.
Molecular consequence: missense variant.
Genome position (GRCh38, 1-based): chr3:123,347,875, C>T on the plus strand (G>A on the coding strand, the complement: ADCY5 is on the minus strand). VCF-style: chr3-123347875-C-T. GRCh37 (hg19) VCF-style: chr3-123066722-C-T.
Other names: c.263G>A, p.Arg88His (NM_001199642.1); c.1313G>A, p.Arg438His (NM_001378259.1); short protein forms R438H, R88H.
Identifiers: ClinVar variation 2504421 (VCV002504421.1), dbSNP rs1942631205, ClinGen allele CA354221969.

ClinVar aggregate classification (germline): Uncertain significance (1 of 4 stars; one submission).

Allele frequency attached by ClinVar (database versions not stated): gnomAD exomes below 0.00001; gnomAD 0.00001.
gnomAD v4.1: 3 of 1,614,064 alleles (0.00019%); highest among the groups gnomAD compares: East Asian, 0.0022%; no homozygotes.

Submission:

GeneDx
Classification: Uncertain significance. Last evaluated: 2022-12-05. Review status: criteria provided, single submitter. Criteria: GeneDx Variant Classification Process June 2021. Collection method: clinical testing. Allele origin: germline. Affected: yes.
Comment: Not observed at significant frequency in large population cohorts (gnomAD); In silico analysis supports that this missense variant has a deleterious effect on protein structure/function; Has not been previously published as pathogenic or benign to our knowledge